The following is an entry in ClinVar:

NM_000294.3(PHKG2):c.907A>G (p.Thr303Ala)

Gene: PHKG2 (phosphorylase kinase catalytic subunit gamma 2; plus strand). Cytogenetic location: 16p11.2.
Variant type: single nucleotide variant.
Coding change: c.907A>G on transcript NM_000294.3 (MANE Select); coding-DNA position 907, A replaced by G.
Protein change: p.Thr303Ala; replaces threonine 303 with alanine.
Molecular consequence: missense variant.
Genome position (GRCh38, 1-based): chr16:30,756,695, A>G. VCF-style: chr16-30756695-A-G. GRCh37 (hg19) VCF-style: chr16-30768016-A-G.
Other names: c.907A>G, p.Thr303Ala (NM_001172432.2); short protein forms T303A.
Identifiers: ClinVar variation 576514 (VCV000576514.9), dbSNP rs780358808, ClinGen allele CA8013329.

ClinVar aggregate classification (germline): Uncertain significance (1 of 4 stars; one submission).

Conditions:
Glycogen storage disease IXc (GSD9C). Also called: GSD IXc. Identifiers: Orphanet 264580, MedGen C2751643, MONDO:0013091, OMIM 613027.

Allele frequency attached by ClinVar (database versions not stated): TOPMed 0.00002; gnomAD 0.00001.

Submission:

Labcorp Genetics (formerly Invitae), Labcorp
Classification: Uncertain significance for Glycogen storage disease IXc. Last evaluated: 2020-10-05. Review status: criteria provided, single submitter. Criteria: Invitae Variant Classification Sherloc (09022015). Collection method: clinical testing. Allele origin: germline.
Comment: In summary, the available evidence is currently insufficient to determine the role of this variant in disease. Therefore, it has been classified as a Variant of Uncertain Significance. This sequence change replaces threonine with alanine at codon 303 of the PHKG2 protein (p.Thr303Ala). The threonine residue is highly conserved and there is a small physicochemical difference between threonine and alanine. This variant is present in population databases (rs780358808, ExAC 0.002%). This variant has not been reported in the literature in individuals with PHKG2-related disease. Algorithms developed to predict the effect of missense changes on protein structure and function are either unavailable or do not agree on the potential impact of this missense change (SIFT: "Deleterious"; PolyPhen-2: "Benign"; Align-GVGD: "Class C55").